The following is an entry in ClinVar:

ClinVar aggregate classification (germline): Uncertain significance. Review status: criteria provided, multiple submitters, no conflicts (2 of 4 stars). 2 submissions from 2 submitters: Uncertain significance (2). Last evaluated 2025-06-07.

Conditions:
Hereditary cancer-predisposing syndrome. Also called: Tumor predisposition; Hereditary neoplastic syndrome; Hereditary Cancer Syndrome; Neoplastic Syndromes, Hereditary. Identifiers: Orphanet 140162, MedGen C0027672, MeSH D009386, MONDO:0015356.

gnomAD v4.1: 1 of 1,400,092 alleles (0.000071%); highest among the groups gnomAD compares: African/African-American, 0.0014%; no homozygotes.

Submissions (2):

Ambry Genetics
Classification: Uncertain significance for Hereditary cancer-predisposing syndrome. Last evaluated: 2025-06-07. Review status: criteria provided, single submitter. Criteria: Ambry Variant Classification Scheme 2023. Collection method: clinical testing. Allele origin: germline.

ARUP Laboratories, Molecular Genetics and Genomics, ARUP Laboratories
Classification: Uncertain significance. Last evaluated: 2025-02-10. Review status: criteria provided, single submitter. Criteria: ARUP Molecular Germline Variant Investigation Process 2024. Collection method: clinical testing. Allele origin: germline.
Comment: The RET c.1514A>C; p.Glu505Ala variant, to our knowledge, is not reported in the medical literature or gene specific databases. This variant is also absent from the Genome Aggregation Database (v2.1.1), indicating it is not a common polymorphism. Computational analyses are uncertain whether this variant is neutral or deleterious (REVEL: 0.407). Due to limited information, the clinical significance of this variant is uncertain at this time.

NM_020975.6(RET):c.1514A>C (p.Glu505Ala)

Gene: RET (ret proto-oncogene; plus strand). Cytogenetic location: 10q11.21.
Variant type: single nucleotide variant.
Coding change: c.1514A>C on transcript NM_020975.6 (MANE Select); coding-DNA position 1514, A replaced by C.
Protein change: p.Glu505Ala; replaces glutamic acid 505 with alanine.
Molecular consequence: missense variant. On other transcripts: intron variant (15).
Genome position (GRCh38, 1-based): chr10:43,111,457, A>C. VCF-style: chr10-43111457-A-C. GRCh37 (hg19) VCF-style: chr10-43606905-A-C.
Other names: c.1385A>C, p.Glu462Ala (NM_001406762.1, NM_001406764.1, NM_001406768.1 and 1 more transcripts); c.1514A>C, p.Glu505Ala (NM_001406763.1, NM_001406765.1, NM_020630.7 and 4 more transcripts); c.1226A>C, p.Glu409Ala (NM_001406766.1, NM_001406767.1, NM_001406770.1); c.1118A>C, p.Glu373Ala (NM_001406769.1, NM_001406772.1); c.1076A>C, p.Glu359Ala (NM_001406771.1, NM_001406773.1); c.626-642A>C (NM_001406782.1, NM_001406780.1, NM_001406779.1 and 3 more transcripts); c.497-642A>C (NM_001406786.1, NM_001406783.1); c.338-642A>C (NM_001406790.1, NM_001406788.1, NM_001406789.1 and 1 more transcripts); and 5 more; short protein forms E175A, E263A, E462A, E373A, E409A, E505A, E251A, E330A.
Identifiers: ClinVar variation 3944722 (VCV003944722.2).